The following is an entry in ClinVar:

NM_015103.3(PLXND1):c.1849C>T (p.Pro617Ser)

Gene: PLXND1 (plexin D1; minus strand). Cytogenetic location: 3q22.1.
Variant type: single nucleotide variant.
Coding change: c.1849C>T on transcript NM_015103.3 (MANE Select); coding-DNA position 1849, C replaced by T.
Protein change: p.Pro617Ser; replaces proline 617 with serine.
Molecular consequence: missense variant.
Genome position (GRCh38, 1-based): chr3:129,585,954, G>A on the plus strand (C>T on the coding strand, the complement: PLXND1 is on the minus strand). VCF-style: chr3-129585954-G-A. GRCh37 (hg19) VCF-style: chr3-129304797-G-A.
Other names: NC_000003.11:g.129304797G>A; short protein forms P617S.
Identifiers: ClinVar variation 3056786 (VCV003056786.3), dbSNP rs2285372, ClinGen allele CA2609228.

ClinVar aggregate classification (germline): Benign (0 of 4 stars; one submission).

Conditions:
PLXND1-related disorder. Also called: PLXND1-related condition.

Allele frequency attached by ClinVar (database versions not stated): gnomAD exomes 0.03727; ESP Exome Variant Server 0.04459; gnomAD 0.04902; TOPMed 0.04964; ExAC 0.05138; 1000 Genomes Project 30x 0.07074; 1000 Genomes Project 0.07268.
gnomAD v4.1: 62,780 of 1,613,970 alleles (3.9%); highest among the groups gnomAD compares: East Asian, 12%; 1,857 homozygotes.

Submissions 1 to 32 of 57:

PreventionGenetics, part of Exact Sciences
Classification: Benign for PLXND1-related condition. Last evaluated: 2019-09-24. Review status: no assertion criteria provided. Collection method: clinical testing. Allele origin: germline.
Comment: This variant is classified as benign based on ACMG/AMP sequence variant interpretation guidelines (Richards et al. 2015 PMID: 25741868, with internal and published modifications).

Dr. Peter K. Rogan Lab, Western University
No classification provided (evidence only). Condition: Colon adenocarcinoma. Review status: no classification provided. Collection method: in vitro. Allele origin: not applicable. Functional consequence: retained intron. Not counted in ClinVar's aggregate classification.

Dr. Peter K. Rogan Lab, Western University
No classification provided (evidence only). Condition: Colon adenocarcinoma. Review status: no classification provided. Collection method: in vitro. Allele origin: not applicable. Functional consequence: retained intron. Not counted in ClinVar's aggregate classification.

Dr. Peter K. Rogan Lab, Western University
No classification provided (evidence only). Condition: Colorectal cancer. Review status: no classification provided. Collection method: in vitro. Allele origin: not applicable. Functional consequence: retained intron. Not counted in ClinVar's aggregate classification.

Dr. Peter K. Rogan Lab, Western University
No classification provided (evidence only). Condition: Nonpapillary renal cell carcinoma. Review status: no classification provided. Collection method: in vitro. Allele origin: not applicable. Functional consequence: retained intron. Not counted in ClinVar's aggregate classification.

Dr. Peter K. Rogan Lab, Western University
No classification provided (evidence only). Condition: Nonpapillary renal cell carcinoma. Review status: no classification provided. Collection method: in vitro. Allele origin: not applicable. Functional consequence: retained intron. Not counted in ClinVar's aggregate classification.

Dr. Peter K. Rogan Lab, Western University
No classification provided (evidence only). Condition: Nonpapillary renal cell carcinoma. Review status: no classification provided. Collection method: in vitro. Allele origin: not applicable. Functional consequence: retained intron. Not counted in ClinVar's aggregate classification.

Dr. Peter K. Rogan Lab, Western University
No classification provided (evidence only). Condition: Thymoma. Review status: no classification provided. Collection method: in vitro. Allele origin: not applicable. Functional consequence: retained intron. Not counted in ClinVar's aggregate classification.

Dr. Peter K. Rogan Lab, Western University
No classification provided (evidence only). Condition: Thymoma. Review status: no classification provided. Collection method: in vitro. Allele origin: not applicable. Functional consequence: retained intron. Not counted in ClinVar's aggregate classification.

Dr. Peter K. Rogan Lab, Western University
No classification provided (evidence only). Condition: Thymoma. Review status: no classification provided. Collection method: in vitro. Allele origin: not applicable. Functional consequence: retained intron. Not counted in ClinVar's aggregate classification.

Dr. Peter K. Rogan Lab, Western University
No classification provided (evidence only). Condition: Thymoma. Review status: no classification provided. Collection method: in vitro. Allele origin: not applicable. Functional consequence: retained intron. Not counted in ClinVar's aggregate classification.

Dr. Peter K. Rogan Lab, Western University
No classification provided (evidence only). Condition: Thymoma. Review status: no classification provided. Collection method: in vitro. Allele origin: not applicable. Functional consequence: retained intron. Not counted in ClinVar's aggregate classification.

Dr. Peter K. Rogan Lab, Western University
No classification provided (evidence only). Condition: Cholangiocarcinoma. Review status: no classification provided. Collection method: in vitro. Allele origin: not applicable. Functional consequence: retained intron. Not counted in ClinVar's aggregate classification.

Dr. Peter K. Rogan Lab, Western University
No classification provided (evidence only). Condition: Cholangiocarcinoma. Review status: no classification provided. Collection method: in vitro. Allele origin: not applicable. Functional consequence: retained intron. Not counted in ClinVar's aggregate classification.

Dr. Peter K. Rogan Lab, Western University
No classification provided (evidence only). Condition: Cholangiocarcinoma. Review status: no classification provided. Collection method: in vitro. Allele origin: not applicable. Functional consequence: retained intron. Not counted in ClinVar's aggregate classification.

Dr. Peter K. Rogan Lab, Western University
No classification provided (evidence only). Condition: Cholangiocarcinoma. Review status: no classification provided. Collection method: in vitro. Allele origin: not applicable. Functional consequence: retained intron. Not counted in ClinVar's aggregate classification.

Dr. Peter K. Rogan Lab, Western University
No classification provided (evidence only). Condition: Uterine carcinosarcoma. Review status: no classification provided. Collection method: in vitro. Allele origin: not applicable. Functional consequence: retained intron. Not counted in ClinVar's aggregate classification.

Dr. Peter K. Rogan Lab, Western University
No classification provided (evidence only). Condition: Uveal melanoma. Review status: no classification provided. Collection method: in vitro. Allele origin: not applicable. Functional consequence: retained intron. Not counted in ClinVar's aggregate classification.

Dr. Peter K. Rogan Lab, Western University
No classification provided (evidence only). Condition: Chronic lymphocytic leukemia/small lymphocytic lymphoma. Review status: no classification provided. Collection method: in vitro. Allele origin: not applicable. Functional consequence: retained intron. Not counted in ClinVar's aggregate classification.

Dr. Peter K. Rogan Lab, Western University
No classification provided (evidence only). Condition: Nonpapillary renal cell carcinoma. Review status: no classification provided. Collection method: in vitro. Allele origin: not applicable. Functional consequence: retained intron. Not counted in ClinVar's aggregate classification.

Dr. Peter K. Rogan Lab, Western University
No classification provided (evidence only). Condition: Nonpapillary renal cell carcinoma. Review status: no classification provided. Collection method: in vitro. Allele origin: not applicable. Functional consequence: retained intron. Not counted in ClinVar's aggregate classification.

Dr. Peter K. Rogan Lab, Western University
No classification provided (evidence only). Condition: Familial pancreatic carcinoma. Review status: no classification provided. Collection method: in vitro. Allele origin: not applicable. Functional consequence: retained intron. Not counted in ClinVar's aggregate classification.

Dr. Peter K. Rogan Lab, Western University
No classification provided (evidence only). Condition: Familial pancreatic carcinoma. Review status: no classification provided. Collection method: in vitro. Allele origin: not applicable. Functional consequence: retained intron. Not counted in ClinVar's aggregate classification.

Dr. Peter K. Rogan Lab, Western University
No classification provided (evidence only). Condition: Familial pancreatic carcinoma. Review status: no classification provided. Collection method: in vitro. Allele origin: not applicable. Functional consequence: retained intron. Not counted in ClinVar's aggregate classification.

Dr. Peter K. Rogan Lab, Western University
No classification provided (evidence only). Condition: Familial pancreatic carcinoma. Review status: no classification provided. Collection method: in vitro. Allele origin: not applicable. Functional consequence: retained intron. Not counted in ClinVar's aggregate classification.

Dr. Peter K. Rogan Lab, Western University
No classification provided (evidence only). Condition: Hepatocellular carcinoma. Review status: no classification provided. Collection method: in vitro. Allele origin: not applicable. Functional consequence: retained intron. Not counted in ClinVar's aggregate classification.

Dr. Peter K. Rogan Lab, Western University
No classification provided (evidence only). Condition: Hepatocellular carcinoma. Review status: no classification provided. Collection method: in vitro. Allele origin: not applicable. Functional consequence: retained intron. Not counted in ClinVar's aggregate classification.

Dr. Peter K. Rogan Lab, Western University
No classification provided (evidence only). Condition: Hepatocellular carcinoma. Review status: no classification provided. Collection method: in vitro. Allele origin: not applicable. Functional consequence: retained intron. Not counted in ClinVar's aggregate classification.

Dr. Peter K. Rogan Lab, Western University
No classification provided (evidence only). Condition: Hepatocellular carcinoma. Review status: no classification provided. Collection method: in vitro. Allele origin: not applicable. Functional consequence: retained intron. Not counted in ClinVar's aggregate classification.

Dr. Peter K. Rogan Lab, Western University
No classification provided (evidence only). Condition: Hepatocellular carcinoma. Review status: no classification provided. Collection method: in vitro. Allele origin: not applicable. Functional consequence: retained intron. Not counted in ClinVar's aggregate classification.

Dr. Peter K. Rogan Lab, Western University
No classification provided (evidence only). Condition: Hepatocellular carcinoma. Review status: no classification provided. Collection method: in vitro. Allele origin: not applicable. Functional consequence: retained intron. Not counted in ClinVar's aggregate classification.

Dr. Peter K. Rogan Lab, Western University
No classification provided (evidence only). Condition: Hepatocellular carcinoma. Review status: no classification provided. Collection method: in vitro. Allele origin: not applicable. Functional consequence: retained intron. Not counted in ClinVar's aggregate classification.